The following is an entry in ClinVar:

NM_003872.3(NRP2):c.472G>C (p.Gly158Arg)

Gene: NRP2 (neuropilin 2; plus strand). Cytogenetic location: 2q33.3.
Variant type: single nucleotide variant.
Coding change: c.472G>C on transcript NM_003872.3 (MANE Select); coding-DNA position 472, G replaced by C.
Protein change: p.Gly158Arg; replaces glycine 158 with arginine.
Molecular consequence: missense variant.
Genome position (GRCh38, 1-based): chr2:205,722,516, G>C. VCF-style: chr2-205722516-G-C. GRCh37 (hg19) VCF-style: chr2-206587240-G-C.
Other names: c.472G>C, p.Gly158Arg (NM_018534.4, NM_201264.2, NM_201266.2 and 2 more transcripts); short protein forms G158R.
Identifiers: ClinVar variation 2634571 (VCV002634571.3), dbSNP rs34980616, ClinGen allele CA2068835.
Genomic context (GRCh38, chr2:205,722,516, plus strand): 5'-TACAGTTCTCTTTTACATACAGGCTCTGAAGATTGCTCAAAAAACTTCACAAGCCCCAAC[G>C]GGACCATCGAATCTCCTGGGTTTCCTGAGAAGTATCCACACAACTTGGACTGCACCTTTA-3'
Protein context (NP_003863.2, residues 148-168): DCSKNFTSPN[Gly158Arg]TIESPGFPEK

ClinVar aggregate classification (germline): Uncertain significance (1 of 4 stars; one submission).

Conditions:
NRP2-related disorder. Also called: NRP2-related condition.

Allele frequency attached by ClinVar (database versions not stated): ESP Exome Variant Server 0.00008.
gnomAD v4.1: 21 of 1,614,028 alleles (0.0013%); highest among the groups gnomAD compares: African/African-American, 0.027%; no homozygotes.

Submission:

PreventionGenetics, part of Exact Sciences
Classification: Uncertain significance for NRP2-related condition. Last evaluated: 2025-08-27. Review status: criteria provided, single submitter. Criteria: ACMG Guidelines, 2015. Collection method: clinical testing. Allele origin: germline.
Comment: The NRP2 c.472G>C variant is predicted to result in the amino acid substitution p.Gly158Arg. To our knowledge, this variant has not been reported in the literature. This variant is reported in 0.020% of alleles in individuals of African descent in gnomAD. At this time, the clinical significance of this variant is uncertain due to the absence of conclusive functional and genetic evidence.